The following is an entry in ClinVar:

ClinVar aggregate classification (germline): Pathogenic (1 of 4 stars; one submission).

Conditions:
Spastic paraplegia. Identifiers: MedGen C0037772, HP:0001258.

Submission:

Labcorp Genetics (formerly Invitae), Labcorp
Classification: Pathogenic for Spastic paraplegia. Last evaluated: 2022-08-19. Review status: criteria provided, single submitter. Criteria: Invitae Variant Classification Sherloc (09022015). Collection method: clinical testing. Allele origin: germline.
Comment: For these reasons, this variant has been classified as Pathogenic. This variant disrupts a region of the SACS protein in which other variant(s) (p.Tyr4538*) have been determined to be pathogenic (Invitae). This suggests that this is a clinically significant region of the protein, and that variants that disrupt it are likely to be disease-causing. This variant has not been reported in the literature in individuals affected with SACS-related conditions. This variant is not present in population databases (gnomAD no frequency). This sequence change creates a premature translational stop signal (p.Gln1852*) in the SACS gene. While this is not anticipated to result in nonsense mediated decay, it is expected to disrupt the last 2728 amino acid(s) of the SACS protein.

NM_014363.6(SACS):c.5554C>T (p.Gln1852Ter)

Gene: SACS (sacsin molecular chaperone; minus strand). Cytogenetic location: 13q12.12.
Variant type: single nucleotide variant.
Coding change: c.5554C>T on transcript NM_014363.6 (MANE Select); coding-DNA position 5554, C replaced by T.
Protein change: p.Gln1852Ter; replaces glutamine 1852 with a stop codon.
Molecular consequence: nonsense.
Genome position (GRCh38, 1-based): chr13:23,338,322, G>A on the plus strand (C>T on the coding strand, the complement: SACS is on the minus strand). VCF-style: chr13-23338322-G-A. GRCh37 (hg19) VCF-style: chr13-23912461-G-A.
Other names: c.5113C>T, p.Gln1705Ter (NM_001278055.2); short protein forms Q1852*, Q1705*.
Identifiers: ClinVar variation 2135066 (VCV002135066.4), dbSNP rs1868854677, ClinGen allele CA387525421.